The following is an entry in ClinVar:

ClinVar aggregate classification (germline): Uncertain significance (1 of 4 stars; one submission).

Conditions:
Hereditary pancreatitis (PCTT). Also called: Hereditary chronic pancreatitis; PRSS1-Related Hereditary Pancreatitis. Identifiers: Orphanet 676, MedGen C0238339, MONDO:0008185, OMIM 167800.

Submission:

Ambry Genetics
Classification: Uncertain significance for Hereditary pancreatitis. Last evaluated: 2026-07-08. Review status: criteria provided, single submitter. Criteria: Ambry Variant Classification Scheme 2023. Collection method: clinical testing. Allele origin: germline.
Comment: The c.592-5C>A intronic variant results from a C to A substitution 5 nucleotides upstream from coding exon 5 in the PRSS1 gene. This nucleotide position is not well conserved in available vertebrate species. In silico splice site analysis predicts that this alteration will not have any significant effect on splicing. Based on the available evidence, the clinical significance of this variant remains unclear.

NM_002769.5(PRSS1):c.592-5C>A

Genes: PRSS1 (serine protease 1; plus strand), TRB (T cell receptor beta locus; plus strand). Cytogenetic location: 7q34.
Variant type: single nucleotide variant.
Coding change: c.592-5C>A on transcript NM_002769.5 (MANE Select); 5 bases into the intron before coding-DNA position 592, C replaced by A.
Molecular consequence: intron variant.
Genome position (GRCh38, 1-based): chr7:142,752,863, C>A. VCF-style: chr7-142752863-C-A. GRCh37 (hg19) VCF-style: chr7-142460714-C-A.
Identifiers: ClinVar variation 5027398 (VCV005027398.1).